The following is an entry in ClinVar:

NM_001267550.2(TTN):c.56584C>T (p.Gln18862Ter)

Genes: TTN (titin; minus strand), TTN-AS1 (TTN antisense RNA 1; plus strand). Cytogenetic location: 2q31.2.
Variant type: single nucleotide variant.
Coding change: c.56584C>T on transcript NM_001267550.2 (MANE Select); coding-DNA position 56584, C replaced by T.
Protein change: p.Gln18862Ter; replaces glutamine 18862 with a stop codon.
Molecular consequence: nonsense.
Genome position (GRCh38, 1-based): chr2:178,599,209, G>A on the plus strand (C>T on the coding strand, the complement: TTN is on the minus strand). VCF-style: chr2-178599209-G-A. GRCh37 (hg19) VCF-style: chr2-179463936-G-A.
Other names: c.51661C>T, p.Gln17221Ter (NM_001256850.1); c.29389C>T, p.Gln9797Ter (NM_003319.4); c.48880C>T, p.Gln16294Ter (NM_133378.4); c.29764C>T, p.Gln9922Ter (NM_133432.3); c.29965C>T, p.Gln9989Ter (NM_133437.4); short protein forms Q17221*, Q9922*, Q16294*, Q18862*, Q9797*, Q9989*.
Identifiers: ClinVar variation 2018985 (VCV002018985.4), dbSNP rs2469883983, ClinGen allele CA349529042.

ClinVar aggregate classification (germline): Likely pathogenic (1 of 4 stars; one submission).

Conditions:
Autosomal recessive limb-girdle muscular dystrophy type 2J (LGMDR10). Also called: Limb-girdle muscular dystrophy, type 2J; MUSCULAR DYSTROPHY, LIMB-GIRDLE, AUTOSOMAL RECESSIVE 10. Identifiers: Orphanet 140922, MedGen C1837342, MONDO:0012127, OMIM 608807.
Dilated cardiomyopathy 1G (CMD1G). Identifiers: Orphanet 154, MedGen C1858763, MONDO:0011400, OMIM 604145.

Submission:

Labcorp Genetics (formerly Invitae), Labcorp
Classification: Likely pathogenic for Dilated cardiomyopathy 1G; Autosomal recessive limb-girdle muscular dystrophy type 2J. Last evaluated: 2025-08-28. Review status: criteria provided, single submitter. Criteria: Invitae Variant Classification Sherloc (09022015). Collection method: clinical testing. Allele origin: germline.
Comment: This sequence change creates a premature translational stop signal (p.Gln18862*) in the TTN gene. While this is not anticipated to result in nonsense mediated decay, it is expected to create a truncated TTN protein. This variant is not present in population databases (gnomAD no frequency). This variant has not been reported in the literature in individuals affected with TTN-related conditions. ClinVar contains an entry for this variant (Variation ID: 2018985). This variant is located in the A band of TTN (PMID: 25589632). Truncating variants in this region are significantly overrepresented in patients affected with dilated cardiomyopathy (PMID: 25589632). Truncating variants in this region have also been reported in individuals affected with autosomal recessive centronuclear myopathy (PMID: 23975875). In summary, the currently available evidence indicates that the variant is pathogenic, but additional data are needed to prove that conclusively. Therefore, this variant has been classified as Likely Pathogenic.

Literature cited by the submitters: PubMed 25589632; PubMed 23975875.